The following is an entry in ClinVar:

ClinVar aggregate classification (germline): Uncertain significance (1 of 4 stars; one submission).

Conditions:
Peutz-Jeghers syndrome (PJS). Also called: POLYPOSIS, HAMARTOMATOUS INTESTINAL; POLYPS-AND-SPOTS SYNDROME; Peutz-Jeghers polyposis; Periorificial lentiginosis syndrome. Identifiers: Orphanet 2869, MedGen C0031269, MeSH D010580, MONDO:0008280, OMIM 175200.

Submission:

Labcorp Genetics (formerly Invitae), Labcorp
Classification: Uncertain significance for Peutz-Jeghers syndrome. Last evaluated: 2019-03-11. Review status: criteria provided, single submitter. Criteria: Invitae Variant Classification Sherloc (09022015). Collection method: clinical testing. Allele origin: germline.
Comment: This sequence change replaces isoleucine with threonine at codon 361 of the STK11 protein (p.Ile361Thr). The isoleucine residue is highly conserved and there is a moderate physicochemical difference between isoleucine and threonine. This variant is not present in population databases (ExAC no frequency). This variant has not been reported in the literature in individuals with STK11-related conditions. Algorithms developed to predict the effect of missense changes on protein structure and function (SIFT, PolyPhen-2, Align-GVGD) all suggest that this variant is likely to be tolerated, but these predictions have not been confirmed by published functional studies and their clinical significance is uncertain. In summary, the available evidence is currently insufficient to determine the role of this variant in disease. Therefore, it has been classified as a Variant of Uncertain Significance.

NM_000455.5(STK11):c.1082T>C (p.Ile361Thr)

Genes: STK11 (serine/threonine kinase 11; plus strand), LOC130062899 (ATAC-STARR-seq lymphoblastoid active region 13597; plus strand). Cytogenetic location: 19p13.3.
Variant type: single nucleotide variant.
Coding change: c.1082T>C on transcript NM_000455.5 (MANE Select); coding-DNA position 1082, T replaced by C.
Protein change: p.Ile361Thr; replaces isoleucine 361 with threonine.
Molecular consequence: missense variant.
Genome position (GRCh38, 1-based): chr19:1,223,146, T>C. VCF-style: chr19-1223146-T-C. GRCh37 (hg19) VCF-style: chr19-1223145-T-C.
Other names: short protein forms I361T.
Identifiers: ClinVar variation 847369 (VCV000847369.10), dbSNP rs2080797878, ClinGen allele CA402951911.
Genomic context (GRCh38, chr19:1,223,146, plus strand): 5'-TGGAGGACCTGCACGGCGCGGACGAGGACGAGGACCTCTTCGACATCGAGGATGACATCA[T>C]CTACACTCAGGACTTCACGGTGCCCGGTGAGTCTGGCGGGGGCCCCTGCCCGGCTCTGCT-3'
Protein context (NP_000446.1, residues 351-371): EDLFDIEDDI[Ile361Thr]YTQDFTVPGQ